The following is an entry in ClinVar:

ClinVar aggregate classification (germline): Uncertain significance (1 of 4 stars; one submission).

Conditions:
Hereditary breast ovarian cancer syndrome. Also called: Hereditary breast and/or ovarian cancer syndrome; BRCA1- and BRCA2-Associated Hereditary Breast and Ovarian Cancer; Hereditary breast and ovarian cancer syndrome; Hereditary breast and ovarian cancer; Hereditary breast and ovarian cancer syndrome (HBOC); Breast and ovarian cancer. Identifiers: Orphanet 145, MedGen C0677776, MeSH D061325, MONDO:0003582. Disease mechanism: loss of function.

Submissions (2):

Labcorp Genetics (formerly Invitae), Labcorp
Classification: Uncertain significance for Hereditary breast ovarian cancer syndrome. Last evaluated: 2025-02-03. Review status: criteria provided, single submitter. Criteria: Invitae Variant Classification Sherloc (09022015). Collection method: clinical testing. Allele origin: germline.
Comment: This sequence change falls in intron 18 of the BRCA1 gene. It does not directly change the encoded amino acid sequence of the BRCA1 protein. It affects a nucleotide within the consensus splice site. This variant is not present in population databases (gnomAD no frequency). This variant has not been reported in the literature in individuals affected with BRCA1-related conditions. ClinVar contains an entry for this variant (Variation ID: 865147). Variants that disrupt the consensus splice site are a relatively common cause of aberrant splicing (PMID: 17576681, 9536098). Algorithms developed to predict the effect of sequence changes on RNA splicing suggest that this variant may disrupt the consensus splice site. In summary, the available evidence is currently insufficient to determine the role of this variant in disease. Therefore, it has been classified as a Variant of Uncertain Significance.

Brotman Baty Institute, University of Washington
No classification provided (evidence only). Condition: Breast-ovarian cancer, familial 1. Review status: no classification provided. Collection method: in vitro. Allele origin: not applicable. Functional consequence: function_uncertain_variant. Not counted in ClinVar's aggregate classification.
ClinVar note: "not provided" was previously submitted as the classification for the variant. However, the classification appeared to be based only on an observation of functional data so it was converted to no classification on 2025-07-30.

Literature cited by the submitters: PubMed 17576681 (cited by Labcorp Genetics (formerly Invitae), Labcorp); PubMed 9536098 (cited by Labcorp Genetics (formerly Invitae), Labcorp).

NM_007294.4(BRCA1):c.5194-3C>G

Gene: BRCA1 (BRCA1 DNA repair associated; minus strand). Cytogenetic location: 17q21.31.
Variant type: single nucleotide variant.
Coding change: c.5194-3C>G on transcript NM_007294.4 (MANE Select); 3 bases into the intron before coding-DNA position 5194, C replaced by G.
Molecular consequence: intron variant.
Genome position (GRCh38, 1-based): chr17:43,057,138, G>C on the plus strand (C>G on the coding strand, the complement: BRCA1 is on the minus strand). VCF-style: chr17-43057138-G-C. GRCh37 (hg19) VCF-style: chr17-41209155-G-C.
Other names: c.1741-3C>G (NM_001408458.1, NM_001408461.1, NM_001408464.1 and 7 more transcripts); c.4303-3C>G (NM_001407967.1); c.4813-3C>G (NM_001407959.1); c.4927-3C>G (NM_001407931.1, NM_001407932.1, NM_001407928.1 and 4 more transcripts); c.5050-3C>G (NM_001407747.1, NM_001407745.1, NM_001407737.1 and 21 more transcripts); c.4810-3C>G (NM_001407962.1, NM_001407960.1); c.1381-3C>G (NM_001408512.1); c.1504-3C>G (NM_001408510.1); and 72 more.
Identifiers: ClinVar variation 865147 (VCV000865147.5), dbSNP rs2051532279, ClinGen allele CA916081185.